The following is an entry in ClinVar:

NM_004006.3(DMD):c.7787_7788insTTTTTTTTTTTTTTTTTTTTNNNNNNNNNNCTGACCTCGTGATCCACCCGCCTCGGCCTCCCAAAGTGCTGGGATTACAGGCGTGAGCCACCGCGCCCGGCCCTGAGCAGGTCTT (p.Leu2596delinsPhePhePhePhePhePhePheXaaXaaXaaXaaTer)

Gene: DMD (dystrophin; minus strand). Cytogenetic location: Xp21.1.
Variant type: Insertion.
Coding change: c.7787_7788insTTTTTTTTTTTTTTTTTTTTNNNNNNNNNNCTGACCTCGTGATCCACCCGCCTCGGCCTCCCAAAGTGCTGGGATTACAGGCGTGAGCCACCGCGCCCGGCCCTGAGCAGGTCTT on transcript NM_004006.3 (MANE Select); coding-DNA positions 7787 to 7788, TTTTTTTTTTTTTTTTTTTTNNNNNNNNNNCTGACCTCGTGATCCACCCGCCTCGGCCTCCCAAAGTGCTGGGATTACAGGCGTGAGCCACCGCGCCCGGCCCTGAGCAGGTCTT inserted.
Protein change: p.Leu2596delinsPhePhePhePhePhePhePheXaaXaaXaaXaaTer.
Molecular consequence: nonsense.
Genome position: GRCh38: chrX:31,679,472-31,679,473. GRCh37 (hg19): chrX:31,697,589-31,697,590.
Other names: c.7763_7764insTTTTTTTTTTTTTTTTTTTTNNNNNNNNNNCTGACCTCGTGATCCACCCGCCTCGGCCTCCCAAAGTGCTGGGATTACAGGCGTGAGCCACCGCGCCCGGCCCTGAGCAGGTCTT, p.Leu2588delinsPhePhePhePhePhePhePheXaaXaaXaaXaaTer (NM_000109.4); c.7775_7776insTTTTTTTTTTTTTTTTTTTTNNNNNNNNNNCTGACCTCGTGATCCACCCGCCTCGGCCTCCCAAAGTGCTGGGATTACAGGCGTGAGCCACCGCGCCCGGCCCTGAGCAGGTCTT, p.Leu2592delinsPhePhePhePhePhePhePheXaaXaaXaaXaaTer (NM_004009.3); c.7418_7419insTTTTTTTTTTTTTTTTTTTTNNNNNNNNNNCTGACCTCGTGATCCACCCGCCTCGGCCTCCCAAAGTGCTGGGATTACAGGCGTGAGCCACCGCGCCCGGCCCTGAGCAGGTCTT, p.Leu2473delinsPhePhePhePhePhePhePheXaaXaaXaaXaaTer (NM_004010.3); c.3764_3765insTTTTTTTTTTTTTTTTTTTTNNNNNNNNNNCTGACCTCGTGATCCACCCGCCTCGGCCTCCCAAAGTGCTGGGATTACAGGCGTGAGCCACCGCGCCCGGCCCTGAGCAGGTCTT, p.Leu1255delinsPhePhePhePhePhePhePheXaaXaaXaaXaaTer (NM_004011.4); c.3755_3756insTTTTTTTTTTTTTTTTTTTTNNNNNNNNNNCTGACCTCGTGATCCACCCGCCTCGGCCTCCCAAAGTGCTGGGATTACAGGCGTGAGCCACCGCGCCCGGCCCTGAGCAGGTCTT, p.Leu1252delinsPhePhePhePhePhePhePheXaaXaaXaaXaaTer (NM_004012.4); c.407_408insTTTTTTTTTTTTTTTTTTTTNNNNNNNNNNCTGACCTCGTGATCCACCCGCCTCGGCCTCCCAAAGTGCTGGGATTACAGGCGTGAGCCACCGCGCCCGGCCCTGAGCAGGTCTT, p.Leu136delinsPhePhePhePhePhePhePheXaaXaaXaaXaaTer (NM_004013.3, NM_004020.4, NM_004021.3 and 2 more transcripts).
Identifiers: ClinVar variation 3724582 (VCV003724582.2).

ClinVar aggregate classification (germline): Pathogenic (1 of 4 stars; one submission).

Conditions:
Duchenne muscular dystrophy (DMD). Also called: Duchenne Muscular Dystrophy (DMD); MUSCULAR DYSTROPHY, PSEUDOHYPERTROPHIC PROGRESSIVE, DUCHENNE TYPE. Identifiers: Orphanet 98896, MedGen C0013264, MONDO:0010679, OMIM 310200.

Submission:

Labcorp Genetics (formerly Invitae), Labcorp
Classification: Pathogenic for Duchenne muscular dystrophy. Last evaluated: 2024-11-04. Review status: criteria provided, single submitter. Criteria: Invitae Variant Classification Sherloc (09022015). Collection method: clinical testing. Allele origin: germline.
Comment: This sequence change inserts a large fragment of DNA, likely a transposable element, in exon 53 of the DMD gene (c.7787_7788ins?), causing a frameshift at codon 2596 (p.Leu2596fs). The exact size and sequence of the insertion cannot be determined by the current assay. However, the insertion is expected to result in an absent or disrupted protein product. This variant is not present in population databases (gnomAD no frequency). This variant has not been reported in the literature in individuals affected with DMD-related conditions. Retrotransposon insertions including LINE1 (L1), Alu, and SVA (SINE-VNTR-Alu) have been reported to be disease-causing through disruption of either a coding region or splice site (PMID: 19763152, 20307669, 22406018) and loss-of-function variants in DMD are known to be pathogenic (PMID: 16770791, 25007885). For these reasons, this variant has been classified as Pathogenic.

Literature cited by the submitters: PubMed 19763152; PubMed 20307669; PubMed 22406018; PubMed 16770791; PubMed 25007885.